The following is an entry in ClinVar:

NM_004181.5(UCHL1):c.69_81del (p.Gly24fs)

Gene: UCHL1 (ubiquitin C-terminal hydrolase L1; plus strand). Cytogenetic location: 4p13.
Variant type: Deletion.
Coding change: c.69_81del on transcript NM_004181.5 (MANE Select); coding-DNA positions 69 to 81, 13 bases deleted (CGGCCAGTGGCGC).
Protein change: p.Gly24fs; shifts the reading frame from glycine 24.
Molecular consequence: frameshift variant.
Genome position (GRCh38, 1-based): chr4:41,257,632-41,257,644, CGGCCAGTGGCGC deleted; deleting any 13 consecutive bases within chr4:41,257,629-41,257,644 gives the same sequence; the c. name uses the placement nearest the transcript's 3' end. VCF-style (leftmost placement, unchanged base first): chr4-41257628-TCGCCGGCCAGTGG-T. GRCh37 (hg19) VCF-style: chr4-41259645-TCGCCGGCCAGTGG-T.
Other names: short protein forms G24fs.
Identifiers: ClinVar variation 4880352 (VCV004880352.1).

ClinVar aggregate classification (germline): Pathogenic (1 of 4 stars; one submission).

Conditions:
Optic neuropathy. Also called: Optic nerve disorder. Identifiers: MedGen C3887709, MONDO:0002135, HP:0001138.

Submission:

Genetics Laboratory, Great Ormond Street Hospital NHS Foundation Trust, North Thames Genomic Laboratory Hub
Classification: Pathogenic for Optic neuropathy. Last evaluated: 2026-06-07. Review status: criteria provided, single submitter. Criteria: ACGS Best Practice Guidelines for Variant Classification in Rare Disease 2024 v1.2. Collection method: clinical testing. Allele origin: germline. Affected: yes.
Comment: PM2_moderate, PVS1_very-strong